The following is an entry in ClinVar:

ClinVar aggregate classification (germline): Conflicting classifications of pathogenicity. Review status: criteria provided, conflicting classifications (1 of 4 stars). 3 submissions from 3 submitters: Uncertain significance (2); Likely benign (1). Last evaluated 2024-04-08.

Conditions:
Fanconi anemia (FA). Also called: Fanconi's anemia. Identifiers: Orphanet 84, MedGen C0015625, MeSH D005199, MONDO:0019391.

Allele frequency attached by ClinVar (database versions not stated): ExAC 0.00002; gnomAD exomes 0.00002; gnomAD 0.00007; 1000 Genomes Project 30x 0.00031.

Submissions (3):

Blueprint Genetics
Classification: Likely benign. Last evaluated: 2024-04-08. Review status: criteria provided, single submitter. Criteria: ACMG Guidelines, 2015. Collection method: clinical testing. Allele origin: germline.

Sema4
Classification: Uncertain significance for Fanconi anemia. Last evaluated: 2021-09-15. Review status: criteria provided, single submitter. Criteria: Sema4 Curation Guidelines. Collection method: curation. Allele origin: germline.
Comment: The FANCD2 c.1200C>A (p.D400E) variant has not been reported in the literature to our knowledge. It was observed in 5/282850 chromosomes in the large and broad cohorts of the Genome Aggregation Database (PMID: 32461654). The variant has not been reported in ClinVar. Functional studies have not been performed, and in silico predictions of the variant's effect on protein function are inconclusive. The evidence is insufficient to meet ACMG/AMP criteria for classifying the variant as benign or pathogenic. Thus, the clinical significance of this variant is currently uncertain.

Genetic Services Laboratory, University of Chicago
Classification: Uncertain significance. Last evaluated: 2019-04-24. Review status: criteria provided, single submitter. Criteria: ACMG Guidelines, 2015. Collection method: clinical testing. Allele origin: germline. Affected: no.

NM_001018115.3(FANCD2):c.1200C>A (p.Asp400Glu)

Genes: FANCD2 (FA complementation group D2; plus strand), LOC107303338 (3p25 FANCD2 Alu-mediated recombination region; plus strand). Cytogenetic location: 3p25.3.
Variant type: single nucleotide variant.
Coding change: c.1200C>A on transcript NM_001018115.3 (MANE Select); coding-DNA position 1200, C replaced by A.
Protein change: p.Asp400Glu; replaces aspartic acid 400 with glutamic acid.
Molecular consequence: missense variant.
Genome position (GRCh38, 1-based): chr3:10,046,645, C>A. VCF-style: chr3-10046645-C-A. GRCh37 (hg19) VCF-style: chr3-10088329-C-A.
Other names: c.1200C>A, p.Asp400Glu (NM_001319984.2, NM_001374253.1, NM_001374254.1 and 1 more transcripts); short protein forms D400E.
Identifiers: ClinVar variation 1336982 (VCV001336982.5), dbSNP rs755295382, ClinGen allele CA2249546.